The following is an entry in ClinVar:

NM_005445.4(SMC3):c.699C>G (p.Asn233Lys)

Gene: SMC3 (structural maintenance of chromosomes 3; plus strand). Cytogenetic location: 10q25.2.
Variant type: single nucleotide variant.
Coding change: c.699C>G on transcript NM_005445.4 (MANE Select); coding-DNA position 699, C replaced by G.
Protein change: p.Asn233Lys; replaces asparagine 233 with lysine.
Molecular consequence: missense variant.
Genome position (GRCh38, 1-based): chr10:110,582,074, C>G. VCF-style: chr10-110582074-C-G. GRCh37 (hg19) VCF-style: chr10-112341832-C-G.
Other names: short protein forms N233K.
Identifiers: ClinVar variation 2672415 (VCV002672415.23), dbSNP rs750925745, ClinGen allele CA378377425.
Genomic context (GRCh38, chr10:110,582,074, plus strand): 5'-TCAGAAGTGGGATAAAATGAGACGAGCCCTGGAATATACCATTTACAATCAGGAACTTAA[C>G]GAGACTCGTGCCAAACTTGATGAGGTAAAATATTTACCTGTGACACTTAAAATCAGATTA-3'
Protein context (NP_005436.1, residues 223-243): LEYTIYNQEL[Asn233Lys]ETRAKLDELS

ClinVar aggregate classification (germline): Uncertain significance (1 of 4 stars; one submission).

Submission:

CeGaT Center for Human Genetics Tuebingen
Classification: Uncertain significance. Last evaluated: 2023-11-01. Review status: criteria provided, single submitter. Criteria: CeGaT Center For Human Genetics Tuebingen Variant Classification Criteria Version 2. Collection method: clinical testing. Allele origin: germline. Affected: yes. Observed: 1 variant allele.
Comment: SMC3: PM2, PP2